The following is an entry in ClinVar:

NM_004380.3(CREBBP):c.527G>C (p.Cys176Ser)

Gene: CREBBP (CREB binding lysine acetyltransferase; minus strand). Cytogenetic location: 16p13.3.
Variant type: single nucleotide variant.
Coding change: c.527G>C on transcript NM_004380.3 (MANE Select); coding-DNA position 527, G replaced by C.
Protein change: p.Cys176Ser; replaces cysteine 176 with serine.
Molecular consequence: missense variant.
Genome position (GRCh38, 1-based): chr16:3,850,568, C>G on the plus strand (G>C on the coding strand, the complement: CREBBP is on the minus strand). VCF-style: chr16-3850568-C-G. GRCh37 (hg19) VCF-style: chr16-3900569-C-G.
Other names: c.527G>C (NM_004380.2); c.527G>C, p.Cys176Ser (NM_001079846.1); short protein forms C176S.
Identifiers: ClinVar variation 3701364 (VCV003701364.3).
Genomic context (GRCh38, chr16:3,850,568, plus strand): 5'-CTATGGCCAGAGTTACTATTGAGGAGGCCTGGGTGGGTCTGGTTAAAGTTAGCATTCATG[C>G]AGATACCAGGTCCAGTCTGTGACGTGGCAGGGCTGCTAGTCGCCAGCCCCACTTGCTTTT-3'
Protein context (NP_004371.2, residues 166-186): PATSQTGPGI[Cys176Ser]MNANFNQTHP

ClinVar aggregate classification (germline): Conflicting classifications of pathogenicity. Review status: criteria provided, conflicting classifications (1 of 4 stars). 2 submissions from 2 submitters: Uncertain significance (1); Likely benign (1). Last evaluated 2026-09-10.

Conditions:
Inborn genetic diseases. Identifiers: MedGen C0950123, MeSH D030342.
Rubinstein-Taybi syndrome (RSTS). Identifiers: Orphanet 783, MedGen C0035934, MONDO:0019188.

gnomAD v4.1: 3 of 1,614,110 alleles (0.00019%); highest among the groups gnomAD compares: Non-Finnish European, 0.00025%; no homozygotes.

Submissions (2):

Ambry Genetics
Classification: Uncertain significance for Inborn genetic diseases. Last evaluated: 2026-09-10. Review status: criteria provided, single submitter. Criteria: Ambry Variant Classification Scheme 2023. Collection method: clinical testing. Allele origin: germline.
Comment: The c.527G>C (p.C176S) alteration is located in exon 2 (coding exon 2) of the CREBBP gene. This alteration results from a G to C substitution at nucleotide position 527, causing the cysteine (C) at amino acid position 176 to be replaced by a serine (S). Based on data from gnomAD, the C allele has an overall frequency of <0.001% (1/251476) total alleles studied. The highest observed frequency was 0.001% (1/113762) of European (non-Finnish) alleles. Based on insufficient or conflicting evidence, the clinical significance of this alteration remains unclear.

Labcorp Genetics (formerly Invitae), Labcorp
Classification: Likely benign for Rubinstein-Taybi syndrome. Last evaluated: 2025-01-08. Review status: criteria provided, single submitter. Criteria: Invitae Variant Classification Sherloc (09022015). Collection method: clinical testing. Allele origin: germline.